The following is an entry in ClinVar:

NM_177438.3(DICER1):c.1375A>G (p.Arg459Gly)

Gene: DICER1 (dicer 1, ribonuclease III; minus strand). Cytogenetic location: 14q32.13.
Variant type: single nucleotide variant.
Coding change: c.1375A>G on transcript NM_177438.3 (MANE Select); coding-DNA position 1375, A replaced by G.
Protein change: p.Arg459Gly; replaces arginine 459 with glycine.
Molecular consequence: missense variant.
Genome position (GRCh38, 1-based): chr14:95,124,197, T>C on the plus strand (A>G on the coding strand, the complement: DICER1 is on the minus strand). VCF-style: chr14-95124197-T-C. GRCh37 (hg19) VCF-style: chr14-95590534-T-C.
Other names: c.1375A>G, p.Arg459Gly (NM_030621.4, NM_001195573.1, NM_001271282.3 and 1 more transcripts); short protein forms R459G.
Identifiers: ClinVar variation 568720 (VCV000568720.10), dbSNP rs1566801690, ClinGen allele CA390886109.
Genomic context (GRCh38, chr14:95,124,197, plus strand): 5'-CATCACAACACAGGACGCCTCCCTGTTCTCATGTGAAAGGAGTCAACTTACAGATTTACC[T>C]GTTTAAGACAACTGCTGTGTATCTTCTTTCCACAAAAATAATTCCGCACAAAATGTTGGT-3'
Protein context (NP_803187.1, residues 449-469): ERRYTAVVLN[Arg459Gly]LIKEAGKQDP

ClinVar aggregate classification (germline): Uncertain significance (1 of 4 stars; one submission).

Conditions:
DICER1-related tumor predisposition. Also called: DICER1-related pleuropulmonary blastoma cancer predisposition syndrome; DICER1 syndrome. Identifiers: Orphanet 284343, MedGen C3839822, MONDO:0100216.

Allele frequency attached by ClinVar (database versions not stated): gnomAD exomes below 0.00001.
gnomAD v4.1: 1 of 1,611,056 alleles (0.000062%); highest among the groups gnomAD compares: Non-Finnish European, 0.000085%; no homozygotes.

Submission:

Labcorp Genetics (formerly Invitae), Labcorp
Classification: Uncertain significance for DICER1-related tumor predisposition. Last evaluated: 2018-01-14. Review status: criteria provided, single submitter. Criteria: Invitae Variant Classification Sherloc (09022015). Collection method: clinical testing. Allele origin: germline.
Comment: Algorithms developed to predict the effect of sequence changes on RNA splicing suggest that this variant may disrupt the consensus splice site, but this prediction has not been confirmed by published transcriptional studies. In summary, the available evidence is currently insufficient to determine the role of this variant in disease. Therefore, it has been classified as a Variant of Uncertain Significance. Algorithms developed to predict the effect of missense changes on protein structure and function do not agree on the potential impact of this missense change (SIFT: "Tolerated"; PolyPhen-2: "Probably Damaging"; Align-GVGD: "Class C0"). This variant has not been reported in the literature in individuals with DICER1-related disease. This variant is not present in population databases (ExAC no frequency). This sequence change replaces arginine with glycine at codon 459 of the DICER1 protein (p.Arg459Gly). The arginine residue is highly conserved and there is a moderate physicochemical difference between arginine and glycine.